The following is an entry in ClinVar:

NM_032638.5(GATA2):c.734C>T (p.Pro245Leu)

Gene: GATA2 (GATA binding protein 2; minus strand). Cytogenetic location: 3q21.3.
Variant type: single nucleotide variant.
Coding change: c.734C>T on transcript NM_032638.5 (MANE Select); coding-DNA position 734, C replaced by T.
Protein change: p.Pro245Leu; replaces proline 245 with leucine.
Molecular consequence: missense variant.
Genome position (GRCh38, 1-based): chr3:128,485,864, G>A on the plus strand (C>T on the coding strand, the complement: GATA2 is on the minus strand). VCF-style: chr3-128485864-G-A. GRCh37 (hg19) VCF-style: chr3-128204707-G-A.
Other names: c.734C>T, p.Pro245Leu (NM_001145661.2, NM_001145662.1); short protein forms P245L.
Identifiers: ClinVar variation 5022212 (VCV005022212.1).
Genomic context (GRCh38, chr3:128,485,864, plus strand): 5'-AAGAGTCCGCTGCTGTAGTCGTGGGCAGCCGCCGGCACATAGGAGGGGTAGGTGGGGATG[G>A]GGTGGTGTGTAGCAGGCTGGGTGCCCATAGTAGCTAGGCCTGGGCGCAGGGGACTGCCAC-3'
Protein context (NP_116027.2, residues 235-255): TMGTQPATHH[Pro245Leu]IPTYPSYVPA

ClinVar aggregate classification (germline): Uncertain significance (1 of 4 stars; one submission).

Conditions:
Inborn genetic diseases. Identifiers: MedGen C0950123, MeSH D030342.

Submission:

Ambry Genetics
Classification: Uncertain significance for Inborn genetic diseases. Last evaluated: 2026-07-07. Review status: criteria provided, single submitter. Criteria: Ambry Variant Classification Scheme 2023. Collection method: clinical testing. Allele origin: germline.
Comment: The p.P245L variant (also known as c.734C>T), located in coding exon 2 of the GATA2 gene, results from a C to T substitution at nucleotide position 734. The proline at codon 245 is replaced by leucine, an amino acid with similar properties. This amino acid position is conserved. In addition, this alteration is predicted to be deleterious by in silico analysis. Based on the available evidence, the clinical significance of this variant remains unclear.